The following is an entry in ClinVar:

NM_000350.3(ABCA4):c.2791G>T (p.Val931Leu)

Gene: ABCA4 (ATP binding cassette subfamily A member 4; minus strand). Cytogenetic location: 1p22.1.
Variant type: single nucleotide variant.
Coding change: c.2791G>T on transcript NM_000350.3 (MANE Select); coding-DNA position 2791, G replaced by T.
Protein change: p.Val931Leu; replaces valine 931 with leucine.
Molecular consequence: missense variant.
Genome position (GRCh38, 1-based): chr1:94,047,046, C>A on the plus strand (G>T on the coding strand, the complement: ABCA4 is on the minus strand). VCF-style: chr1-94047046-C-A. GRCh37 (hg19) VCF-style: chr1-94512602-C-A.
Other names: c.2569G>T, p.Val857Leu (NM_001425324.1); short protein forms V931L, V857L.
Identifiers: ClinVar variation 865894 (VCV000865894.4), dbSNP rs58331765, ClinGen allele CA26840893.

ClinVar aggregate classification (germline): Conflicting classifications of pathogenicity. Review status: criteria provided, conflicting classifications (1 of 4 stars). 3 submissions from 3 submitters: Likely pathogenic (1); Uncertain significance (2). Last evaluated 2024-04-12.

Conditions:
Retinal dystrophy. Also called: Inherited retinal dystrophy. Identifiers: Orphanet 71862, MedGen C0854723, MeSH D058499, MONDO:0019118, HP:0000556.
ABCA4-related disorder. Also called: ABCA4-related condition; ABCA4-related disorders. Identifiers: MedGen CN239167.

Allele frequency attached by ClinVar (database versions not stated): TOPMed 0.00002.

Submissions (3):

Women's Health and Genetics/Laboratory Corporation of America, LabCorp
Classification: Uncertain significance. Last evaluated: 2024-04-12. Review status: criteria provided, single submitter. Criteria: LabCorp Variant Classification Summary - May 2015. Collection method: clinical testing. Allele origin: germline.
Comment: Variant summary: ABCA4 c.2791G>T (p.Val931Leu) results in a conservative amino acid change located in the ABC transporter-like, ATP-binding domain (IPR003439) of the encoded protein sequence. Four of five in-silico tools predict a benign effect of the variant on protein function. The variant was absent in 251362 control chromosomes. The available data on variant occurrences in the general population are insufficient to allow any conclusion about variant significance. To our knowledge, no occurrence of c.2791G>T in individuals affected with Retinitis Pigmentosa and no experimental evidence demonstrating its impact on protein function have been reported. ClinVar contains an entry for this variant (Variation ID: 865894). Based on the evidence outlined above, the variant was classified as uncertain significance.

Dept Of Ophthalmology, Nagoya University
Classification: Uncertain significance for Retinal dystrophy. Last evaluated: 2023-10-01. Review status: criteria provided, single submitter. Criteria: Submitter's publication. Collection method: research. Allele origin: germline. Affected: yes.

Blueprint Genetics
Classification: Likely pathogenic for ABCA4-related disorders. Last evaluated: 2019-02-27. Review status: criteria provided, single submitter. Criteria: ACMG Guidelines, 2015. Collection method: clinical testing. Allele origin: germline. Affected: yes. Observed: 1 variant allele.